The following is an entry in ClinVar:

ClinVar aggregate classification (germline): Likely benign (1 of 4 stars; one submission).

Allele frequency attached by ClinVar (database versions not stated): gnomAD 0.00204; TOPMed 0.00211; 1000 Genomes Project 0.00260; 1000 Genomes Project 30x 0.00265; gnomAD exomes 0.00266; ExAC 0.00523.
gnomAD v4.1: 4,082 of 1,545,308 alleles (0.26%); highest among the groups gnomAD compares: Middle Eastern, 1.1%; 16 homozygotes.

Submission:

CeGaT Center for Human Genetics Tuebingen
Classification: Likely benign. Last evaluated: 2022-11-01. Review status: criteria provided, single submitter. Criteria: CeGaT Center For Human Genetics Tuebingen Variant Classification Criteria Version 2. Collection method: clinical testing. Allele origin: germline. Affected: yes. Observed: 1 variant allele.
Comment: FAM184B: BP4, BS2

NM_015688.2(FAM184B):c.199C>T (p.Arg67Trp)

Gene: FAM184B (family with sequence similarity 184 member B; minus strand). Cytogenetic location: 4p15.31.
Variant type: single nucleotide variant.
Coding change: c.199C>T on transcript NM_015688.2 (MANE Select); coding-DNA position 199, C replaced by T.
Protein change: p.Arg67Trp; replaces arginine 67 with tryptophan.
Molecular consequence: missense variant.
Genome position (GRCh38, 1-based): chr4:17,709,587, G>A on the plus strand (C>T on the coding strand, the complement: FAM184B is on the minus strand). VCF-style: chr4-17709587-G-A. GRCh37 (hg19) VCF-style: chr4-17711210-G-A.
Other names: short protein forms R67W.
Identifiers: ClinVar variation 2654690 (VCV002654690.24), dbSNP rs61746445, ClinGen allele CA2869685.